The following is an entry in ClinVar:

NM_001083962.2(TCF4):c.226C>T (p.Pro76Ser)

Genes: TCF4 (transcription factor 4; minus strand), TCF4-AS1 (TCF4 antisense RNA 1; plus strand). Cytogenetic location: 18q21.2.
Variant type: single nucleotide variant.
Coding change: c.226C>T on transcript NM_001083962.2 (MANE Select); coding-DNA position 226, C replaced by T.
Protein change: p.Pro76Ser; replaces proline 76 with serine.
Molecular consequence: missense variant.
Genome position (GRCh38, 1-based): chr18:55,461,097, G>A on the plus strand (C>T on the coding strand, the complement: TCF4 is on the minus strand). VCF-style: chr18-55461097-G-A. GRCh37 (hg19) VCF-style: chr18-53128328-G-A.
Other names: c.154C>T, p.Pro52Ser (NM_001369585.1, NM_001369586.1, NM_001369575.1 and 15 more transcripts); c.226C>T, p.Pro76Ser (NM_003199.3, NM_001369574.1, NM_001369567.1 and 8 more transcripts); c.532C>T, p.Pro178Ser (NM_001243226.3); c.220C>T, p.Pro74Ser (NM_001243230.2); c.100C>T, p.Pro34Ser (NM_001243231.2, NM_001348211.2); short protein forms P178S, P34S, P52S, P74S, P76S.
Identifiers: ClinVar variation 4810868 (VCV004810868.1).
Genomic context (GRCh38, chr18:55,461,097, plus strand): 5'-CAAAAGGTGGAGAGAGATTGTCATGTGACCCAAGGTCCCTGCTGGTCATGTGGTCATAGG[G>A]AGTCCCATCTCCATAGTTCTGTAAATAAAATGACAGTGTAAGTTATTATTTTATATTAAT-3'
Protein context (NP_001077431.1, residues 66-86): SPSRNYGDGT[Pro76Ser]YDHMTSRDLG

ClinVar aggregate classification (germline): Uncertain significance (1 of 4 stars; one submission).

Conditions:
Pitt-Hopkins syndrome (PTHS). Also called: ENCEPHALOPATHY, SEVERE EPILEPTIC, WITH AUTONOMIC DYSFUNCTION; MENTAL RETARDATION, SYNDROMAL, WITH INTERMITTENT HYPERVENTILATION. Identifiers: Orphanet 2896, MedGen C1970431, MONDO:0012589, OMIM 610954.

Submission:

Labcorp Genetics (formerly Invitae), Labcorp
Classification: Uncertain significance for Pitt-Hopkins syndrome. Last evaluated: 2025-05-07. Review status: criteria provided, single submitter. Criteria: Invitae Variant Classification Sherloc (09022015). Collection method: clinical testing. Allele origin: germline.
Comment: This sequence change replaces proline, which is neutral and non-polar, with serine, which is neutral and polar, at codon 76 of the TCF4 protein (p.Pro76Ser). This variant is not present in population databases (gnomAD no frequency). This variant has not been reported in the literature in individuals affected with TCF4-related conditions. Invitae Evidence Modeling of protein sequence and biophysical properties (such as structural, functional, and spatial information, amino acid conservation, physicochemical variation, residue mobility, and thermodynamic stability) indicates that this missense variant is not expected to disrupt TCF4 protein function with a negative predictive value of 95%. In summary, the available evidence is currently insufficient to determine the role of this variant in disease. Therefore, it has been classified as a Variant of Uncertain Significance.